The following is an entry in ClinVar:

NM_015338.6(ASXL1):c.4051A>G (p.Thr1351Ala)

Gene: ASXL1 (ASXL transcriptional regulator 1; plus strand). Cytogenetic location: 20q11.21.
Variant type: single nucleotide variant.
Coding change: c.4051A>G on transcript NM_015338.6 (MANE Select); coding-DNA position 4051, A replaced by G.
Protein change: p.Thr1351Ala; replaces threonine 1351 with alanine.
Molecular consequence: missense variant.
Genome position (GRCh38, 1-based): chr20:32,436,763, A>G. VCF-style: chr20-32436763-A-G. GRCh37 (hg19) VCF-style: chr20-31024566-A-G.
Other names: c.3868A>G, p.Thr1290Ala (NM_001363734.1); short protein forms T1290A, T1351A.
Identifiers: ClinVar variation 3792353 (VCV003792353.1).

ClinVar aggregate classification (germline): Uncertain significance (1 of 4 stars; one submission).

Conditions:
Inborn genetic diseases. Identifiers: MedGen C0950123, MeSH D030342.

gnomAD v4.1: 14 of 1,613,888 alleles (0.00087%); highest among the groups gnomAD compares: East Asian, 0.013%; no homozygotes.

Submission:

Ambry Genetics
Classification: Uncertain significance for Inborn genetic diseases. Last evaluated: 2025-01-16. Review status: criteria provided, single submitter. Criteria: Ambry Variant Classification Scheme 2023. Collection method: clinical testing. Allele origin: germline.
Comment: The p.T1351A variant (also known as c.4051A>G), located in coding exon 13 of the ASXL1 gene, results from an A to G substitution at nucleotide position 4051. The threonine at codon 1351 is replaced by alanine, an amino acid with similar properties. This amino acid position is conserved. In addition, this alteration is predicted to be tolerated by in silico analysis. Based on the available evidence, the clinical significance of this variant remains unclear.